The following is an entry in ClinVar:

ClinVar aggregate classification (germline): Uncertain significance (1 of 4 stars; one submission).

Conditions:
Frontotemporal dementia and/or amyotrophic lateral sclerosis 7 (FTDALS7). Also called: Amyotrophic lateral sclerosis 17; AMYOTROPHIC LATERAL SCLEROSIS, CHMP2B-RELATED; CHMP2B-related frontotemporal dementia; CHMP2B-Related Frontotemporal Dementia-Amyotrophic Lateral Sclerosis. Identifiers: Orphanet 275864, Orphanet 282, Orphanet 803, MedGen C1833296, MONDO:0010936, OMIM 600795.

Allele frequency attached by ClinVar (database versions not stated): ESP Exome Variant Server 0.00008; gnomAD 0.00008 and 0.00009; TOPMed 0.00010; gnomAD exomes below 0.00001 and 0.00001; ExAC 0.00002.
gnomAD v4.1: 19 of 1,610,692 alleles (0.0012%); highest among the groups gnomAD compares: African/African-American, 0.019%; no homozygotes.

Submission:

Labcorp Genetics (formerly Invitae), Labcorp
Classification: Uncertain significance for Frontotemporal dementia and/or amyotrophic lateral sclerosis 7. Last evaluated: 2024-04-15. Review status: criteria provided, single submitter. Criteria: Invitae Variant Classification Sherloc (09022015). Collection method: clinical testing. Allele origin: germline.
Comment: This sequence change falls in intron 5 of the CHMP2B gene. It does not directly change the encoded amino acid sequence of the CHMP2B protein. It affects a nucleotide within the consensus splice site. This variant is present in population databases (rs375829451, gnomAD 0.03%). This variant has not been reported in the literature in individuals affected with CHMP2B-related conditions. ClinVar contains an entry for this variant (Variation ID: 1462278). Variants that disrupt the consensus splice site are a relatively common cause of aberrant splicing (PMID: 17576681, 9536098). Algorithms developed to predict the effect of sequence changes on RNA splicing suggest that this variant is not likely to affect RNA splicing. In summary, the available evidence is currently insufficient to determine the role of this variant in disease. Therefore, it has been classified as a Variant of Uncertain Significance.

Literature cited by the submitters: PubMed 17576681; PubMed 9536098.

NM_014043.4(CHMP2B):c.532-3T>C

Gene: CHMP2B (charged multivesicular body protein 2B; plus strand). Cytogenetic location: 3p11.2.
Variant type: single nucleotide variant.
Coding change: c.532-3T>C on transcript NM_014043.4 (MANE Select); 3 bases into the intron before coding-DNA position 532, T replaced by C.
Molecular consequence: intron variant.
Genome position (GRCh38, 1-based): chr3:87,253,709, T>C. VCF-style: chr3-87253709-T-C. GRCh37 (hg19) VCF-style: chr3-87302859-T-C.
Other names: c.409-3T>C (NM_001244644.2).
Identifiers: ClinVar variation 1462278 (VCV001462278.6), dbSNP rs375829451, ClinGen allele CA2501030.